The following is an entry in ClinVar:

NM_198252.3(GSN):c.1253A>T (p.Tyr418Phe)

Gene: GSN (gelsolin; plus strand). Cytogenetic location: 9q33.2.
Variant type: single nucleotide variant.
Coding change: c.1253A>T on transcript NM_198252.3 (MANE Select); coding-DNA position 1253, A replaced by T.
Protein change: p.Tyr418Phe; replaces tyrosine 418 with phenylalanine.
Molecular consequence: missense variant.
Genome position (GRCh38, 1-based): chr9:121,321,329, A>T. VCF-style: chr9-121321329-A-T. GRCh37 (hg19) VCF-style: chr9-124083607-A-T.
Other names: c.1406A>T, p.Tyr469Phe (NM_000177.5); c.1253A>T, p.Tyr418Phe (NM_001127662.2, NM_001127664.2, NM_001127665.2 and 10 more transcripts); c.1361A>T, p.Tyr454Phe (NM_001127663.2); c.1286A>T, p.Tyr429Phe (NM_001127666.2, NM_001127667.2, NM_001353068.2 and 13 more transcripts); c.1304A>T, p.Tyr435Phe (NM_001258029.2); c.1277A>T, p.Tyr426Phe (NM_001258030.2); c.1325A>T, p.Tyr442Phe (NM_001353076.2); c.599A>T, p.Tyr200Phe (NM_001353078.2); short protein forms Y200F, Y429F, Y469F, Y442F, Y418F, Y426F, Y435F, Y454F.
Identifiers: ClinVar variation 2876861 (VCV002876861.3), dbSNP rs375227932, ClinGen allele CA374749791.

ClinVar aggregate classification (germline): Uncertain significance (1 of 4 stars; one submission).

gnomAD v4.1: 1 of 1,613,834 alleles (0.000062%); highest among the groups gnomAD compares: African/African-American, 0.0013%; no homozygotes.

Submission:

Labcorp Genetics (formerly Invitae), Labcorp
Classification: Uncertain significance. Last evaluated: 2023-03-29. Review status: criteria provided, single submitter. Criteria: Invitae Variant Classification Sherloc (09022015). Collection method: clinical testing. Allele origin: germline.
Comment: This variant is not present in population databases (gnomAD no frequency). This sequence change replaces tyrosine, which is neutral and polar, with phenylalanine, which is neutral and non-polar, at codon 469 of the GSN protein (p.Tyr469Phe). This variant has not been reported in the literature in individuals affected with GSN-related conditions. Advanced modeling of protein sequence and biophysical properties (such as structural, functional, and spatial information, amino acid conservation, physicochemical variation, residue mobility, and thermodynamic stability) performed at Invitae indicates that this missense variant is not expected to disrupt GSN protein function. In summary, the available evidence is currently insufficient to determine the role of this variant in disease. Therefore, it has been classified as a Variant of Uncertain Significance.